The following is an entry in ClinVar:

NM_000064.4(C3):c.4159G>C (p.Glu1387Gln)

Gene: C3 (complement C3; minus strand). Cytogenetic location: 19p13.3.
Variant type: single nucleotide variant.
Coding change: c.4159G>C on transcript NM_000064.4 (MANE Select); coding-DNA position 4159, G replaced by C.
Protein change: p.Glu1387Gln; replaces glutamic acid 1387 with glutamine.
Molecular consequence: missense variant.
Genome position (GRCh38, 1-based): chr19:6,684,401, C>G on the plus strand (G>C on the coding strand, the complement: C3 is on the minus strand). VCF-style: chr19-6684401-C-G. GRCh37 (hg19) VCF-style: chr19-6684412-C-G.
Other names: short protein forms E1387Q.
Identifiers: ClinVar variation 3614371 (VCV003614371.2).

ClinVar aggregate classification (germline): Uncertain significance (1 of 4 stars; one submission).

Submission:

Labcorp Genetics (formerly Invitae), Labcorp
Classification: Uncertain significance. Last evaluated: 2026-01-19. Review status: criteria provided, single submitter. Criteria: Invitae Variant Classification Sherloc (09022015). Collection method: clinical testing. Allele origin: germline.
Comment: This sequence change replaces glutamic acid, which is acidic and polar, with glutamine, which is neutral and polar, at codon 1387 of the C3 protein (p.Glu1387Gln). This variant is not present in population databases (gnomAD no frequency). This variant has not been reported in the literature in individuals affected with C3-related conditions. ClinVar contains an entry for this variant (Variation ID: 3614371). Invitae Evidence Modeling of protein sequence and biophysical properties (such as structural, functional, and spatial information, amino acid conservation, physicochemical variation, residue mobility, and thermodynamic stability) indicates that this missense variant is not expected to disrupt C3 protein function with a negative predictive value of 80%. In summary, the available evidence is currently insufficient to determine the role of this variant in disease. Therefore, it has been classified as a Variant of Uncertain Significance.